The following is an entry in ClinVar:

ClinVar aggregate classification (germline): Uncertain significance. Review status: criteria provided, multiple submitters, no conflicts (2 of 4 stars). 4 submissions from 4 submitters: Uncertain significance (4). Last evaluated 2025-05-07.

Conditions:
TTN-related disorder. Also called: TTN-related condition; TTN-related disease; TTN-related disorders.
Hypertrophic cardiomyopathy 9. Also called: Familial hypertrophic cardiomyopathy 9. Identifiers: MedGen C1861065, MONDO:0013412, OMIM 613765.
Early-onset myopathy with fatal cardiomyopathy (CMYO5). Also called: CONGENITAL MYOPATHY 5 WITH CARDIOMYOPATHY; Salih Myopathy. Identifiers: Orphanet 289377, MedGen C2673677, MONDO:0012714, OMIM 611705. Disease mechanism: loss of function.
Autosomal recessive limb-girdle muscular dystrophy type 2J (LGMDR10). Also called: MUSCULAR DYSTROPHY, LIMB-GIRDLE, AUTOSOMAL RECESSIVE 10; Limb-girdle muscular dystrophy, type 2J. Identifiers: Orphanet 140922, MedGen C1837342, MONDO:0012127, OMIM 608807.
Dilated cardiomyopathy 1G (CMD1G). Identifiers: Orphanet 154, MedGen C1858763, MONDO:0011400, OMIM 604145.
Myopathy, myofibrillar, 9, with early respiratory failure (MFM9). Also called: Myopathy, distal, with early respiratory failure, autosomal dominant; Hereditary myopathy with early respiratory failure; EDSTROM MYOPATHY; MYOPATHY, PROXIMAL, WITH EARLY RESPIRATORY MUSCLE INVOLVEMENT. Identifiers: Orphanet 178464, Orphanet 34521, MedGen C1863599, MONDO:0011362, OMIM 603689.
Tibial muscular dystrophy (TMD). Also called: Tibial muscular dystrophy, tardive; Udd Distal Myopathy – Tibial Muscular Dystrophy; UDD MYOPATHY. Identifiers: Orphanet 609, MedGen C1838244, MONDO:0010870, OMIM 600334.

Allele frequency attached by ClinVar (database versions not stated): gnomAD exomes 0.00001 and 0.00002; ExAC 0.00003; gnomAD 0.00006; TOPMed 0.00006; 1000 Genomes Project 0.00020; 1000 Genomes Project 30x 0.00031.
gnomAD v4.1: 17 of 1,613,902 alleles (0.0011%); highest among the groups gnomAD compares: African/African-American, 0.019%; no homozygotes.

Submissions (4):

PreventionGenetics, part of Exact Sciences
Classification: Uncertain significance for TTN-related condition. Last evaluated: 2025-05-07. Review status: criteria provided, single submitter. Criteria: ACMG Guidelines, 2015. Collection method: clinical testing. Allele origin: germline.
Comment: The TTN c.28232G>A variant is predicted to result in the amino acid substitution p.Gly9411Glu. To our knowledge, this variant has not been reported in the literature. This variant is reported in 0.025% of alleles in individuals of African descent in gnomAD. At this time, the clinical significance of this variant is uncertain due to the absence of conclusive functional and genetic evidence.

Fulgent Genetics
Classification: Uncertain significance for Tibial muscular dystrophy; Myopathy, myofibrillar, 9, with early respiratory failure; Dilated cardiomyopathy 1G; Autosomal recessive limb-girdle muscular dystrophy type 2J; Early-onset myopathy with fatal cardiomyopathy; Hypertrophic cardiomyopathy 9. Last evaluated: 2022-04-07. Review status: criteria provided, single submitter. Criteria: ACMG Guidelines, 2015. Collection method: clinical testing. Allele origin: unknown.

Revvity Omics, Revvity
Classification: Uncertain significance. Last evaluated: 2020-04-02. Review status: criteria provided, single submitter. Criteria: ACMG Guidelines, 2015. Collection method: clinical testing. Allele origin: germline.

Eurofins Ntd Llc (ga)
Classification: Uncertain significance. Last evaluated: 2017-12-07. Review status: criteria provided, single submitter. Criteria: EGL Classification Definitions 2015. Collection method: clinical testing. Allele origin: germline. Observed: 1 variant allele, 1 heterozygote.

NM_001267550.2(TTN):c.28232G>A (p.Gly9411Glu)

Gene: TTN (titin; minus strand). Cytogenetic location: 2q31.2.
Variant type: single nucleotide variant.
Coding change: c.28232G>A on transcript NM_001267550.2 (MANE Select); coding-DNA position 28232, G replaced by A.
Protein change: p.Gly9411Glu; replaces glycine 9411 with glutamic acid.
Molecular consequence: missense variant. On other transcripts: intron variant (3).
Genome position (GRCh38, 1-based): chr2:178,710,865, C>T on the plus strand (G>A on the coding strand, the complement: TTN is on the minus strand). VCF-style: chr2-178710865-C-T. GRCh37 (hg19) VCF-style: chr2-179575592-C-T.
Other names: c.27281G>A, p.Gly9094Glu (NM_001256850.1); c.24500G>A, p.Gly8167Glu (NM_133378.4); c.13282+27217G>A (NM_003319.4); c.13858+27217G>A (NM_133437.4); c.13657+27217G>A (NM_133432.3); short protein forms G9411E, G8167E, G9094E.
Identifiers: ClinVar variation 595232 (VCV000595232.10), dbSNP rs563866126, ClinGen allele CA1999630.